The following is an entry in ClinVar:

ClinVar aggregate classification (germline): Likely benign. Review status: criteria provided, single submitter (1 of 4 stars). 2 submissions from 2 submitters: Likely benign (1). 1 of the submissions does not count toward it. Last evaluated 2024-11-26.

Conditions:
Cognitive impairment - coarse facies - heart defects - obesity - pulmonary involvement - short stature - skeletal dysplasia syndrome. Also called: AFF4-Related CHOPS Syndrome; COGNITIVE IMPAIRMENT, COARSE FACIES, HEART DEFECTS, OBESITY, PULMONARY INVOLVEMENT, SHORT STATURE, AND SKELETAL DYSPLASIA; Chops syndrome. Identifiers: Orphanet 444077, MedGen C4085597, MONDO:0014609, OMIM 616368.
AFF4-related disorder. Also called: AFF4-related condition.

gnomAD v4.1: 155 of 1,612,246 alleles (0.0096%); highest among the groups gnomAD compares: South Asian, 0.17%; 4 homozygotes.

Submissions (2):

Labcorp Genetics (formerly Invitae), Labcorp
Classification: Likely benign for Cognitive impairment - coarse facies - heart defects - obesity - pulmonary involvement - short stature - skeletal dysplasia syndrome. Last evaluated: 2024-11-26. Review status: criteria provided, single submitter. Criteria: Invitae Variant Classification Sherloc (09022015). Collection method: clinical testing. Allele origin: germline.

PreventionGenetics, part of Exact Sciences
Classification: Likely benign for AFF4-related condition. Last evaluated: 2024-08-30. Review status: no assertion criteria provided. Collection method: clinical testing. Allele origin: germline. Not counted in ClinVar's aggregate classification.
Comment: This variant is classified as likely benign based on ACMG/AMP sequence variant interpretation guidelines (Richards et al. 2015 PMID: 25741868, with internal and published modifications).

NM_014423.4(AFF4):c.1154A>G (p.Lys385Arg)

Gene: AFF4 (ALF transcription elongation factor 4; minus strand). Cytogenetic location: 5q31.1.
Variant type: single nucleotide variant.
Coding change: c.1154A>G on transcript NM_014423.4 (MANE Select); coding-DNA position 1154, A replaced by G.
Protein change: p.Lys385Arg; replaces lysine 385 with arginine.
Molecular consequence: missense variant.
Genome position (GRCh38, 1-based): chr5:132,899,621, T>C on the plus strand (A>G on the coding strand, the complement: AFF4 is on the minus strand). VCF-style: chr5-132899621-T-C. GRCh37 (hg19) VCF-style: chr5-132235313-T-C.
Other names: short protein forms K385R.
Identifiers: ClinVar variation 3357761 (VCV003357761.3).
Genomic context (GRCh38, chr5:132,899,621, plus strand): 5'-GCAAAATAATACAATAGTAGACACACCTGTTCCCCATCACTGTCTTCACTGCTGCTTAGT[T>C]TTAAGTCATCTTTTAACATACTAGAGGGAAAAGACAAAGAATTATTATTTTTGGAACAGT-3'
Protein context (NP_055238.1, residues 375-395): QSKSMLKDDL[Lys385Arg]LSSSEDSDGE